The following is an entry in ClinVar:

NM_138927.4(SON):c.3959A>G (p.His1320Arg)

Gene: SON (SON DNA and RNA binding protein; plus strand). Cytogenetic location: 21q22.11.
Variant type: single nucleotide variant.
Coding change: c.3959A>G on transcript NM_138927.4 (MANE Select); coding-DNA position 3959, A replaced by G.
Protein change: p.His1320Arg; replaces histidine 1320 with arginine.
Molecular consequence: missense variant. On other transcripts: non-coding transcript variant (1), intron variant (1).
Genome position (GRCh38, 1-based): chr21:33,553,190, A>G. VCF-style: chr21-33553190-A-G. GRCh37 (hg19) VCF-style: chr21-34925496-A-G.
Other names: c.3959A>G, p.His1320Arg (NM_001291411.2, NM_001412133.1, NM_032195.3 and 2 more transcripts); c.245-3966A>G (NM_001291412.3); short protein forms H1320R.
Identifiers: ClinVar variation 1966561 (VCV001966561.5), dbSNP rs201150783, ClinGen allele CA10009407.

ClinVar aggregate classification (germline): Uncertain significance (1 of 4 stars; one submission).

Allele frequency attached by ClinVar (database versions not stated): gnomAD 0.00001; ExAC 0.00003; 1000 Genomes Project 30x 0.00016; 1000 Genomes Project 0.00020.
gnomAD v4.1: 45 of 1,614,150 alleles (0.0028%); highest among the groups gnomAD compares: East Asian, 0.056%; no homozygotes.

Submission:

Labcorp Genetics (formerly Invitae), Labcorp
Classification: Uncertain significance. Last evaluated: 2024-02-24. Review status: criteria provided, single submitter. Criteria: Invitae Variant Classification Sherloc (09022015). Collection method: clinical testing. Allele origin: germline.
Comment: This sequence change replaces histidine, which is basic and polar, with arginine, which is basic and polar, at codon 1320 of the SON protein (p.His1320Arg). This variant is present in population databases (rs201150783, gnomAD 0.02%). This variant has not been reported in the literature in individuals affected with SON-related conditions. ClinVar contains an entry for this variant (Variation ID: 1966561). Algorithms developed to predict the effect of missense changes on protein structure and function output the following: SIFT: "Not Available"; PolyPhen-2: "Benign"; Align-GVGD: "Not Available". The arginine amino acid residue is found in multiple mammalian species, which suggests that this missense change does not adversely affect protein function. In summary, the available evidence is currently insufficient to determine the role of this variant in disease. Therefore, it has been classified as a Variant of Uncertain Significance.